The following is an entry in ClinVar:

NM_007055.4(POLR3A):c.1070C>G (p.Ser357Ter)

Gene: POLR3A (RNA polymerase III subunit A; minus strand). Cytogenetic location: 10q22.3.
Variant type: single nucleotide variant.
Coding change: c.1070C>G on transcript NM_007055.4 (MANE Select); coding-DNA position 1070, C replaced by G.
Protein change: p.Ser357Ter; replaces serine 357 with a stop codon.
Molecular consequence: nonsense.
Genome position (GRCh38, 1-based): chr10:78,021,661, G>C on the plus strand (C>G on the coding strand, the complement: POLR3A is on the minus strand). VCF-style: chr10-78021661-G-C. GRCh37 (hg19) VCF-style: chr10-79781419-G-C.
Other names: short protein forms S357*.
Identifiers: ClinVar variation 4882870 (VCV004882870.2).
Genomic context (GRCh38, chr10:78,021,661, plus strand): 5'-ATCCGGAGGTTGGGGTCGGGCGAGATGACTGTTCTGCCAGAAAAATCCACTCTCTTTCCT[G>C]AGAGATTTCCTCTAAATCGACCTAAATAGCCAAAAACATGTCATAGGTCCCCATGGCATA-3'

ClinVar aggregate classification (germline): Likely pathogenic (1 of 4 stars; one submission).

Submission:

Dasa
Classification: Likely pathogenic. Last evaluated: 2025-12-22. Review status: criteria provided, single submitter. Criteria: DASA Assertion Criteria. Collection method: clinical testing. Allele origin: germline.
Comment: NM_007055.4(POLR3A):c.1070C>G (p.Ser357*) is a nonsense variant in POLR3A predicted to introduce a premature termination codon and is predicted to result in an absent or altered protein product. Loss of function is an established disease mechanism for POLR3A-associated disorders. Also, this variant is rare in population databases. Based on the currently available evidence, this variant is classified as likely pathogenic.